The following is an entry in ClinVar:

ClinVar aggregate classification (germline): Likely benign (1 of 4 stars; one submission).

Allele frequency attached by ClinVar (database versions not stated): TOPMed below 0.00001; gnomAD 0.00001.
gnomAD v4.1: 1 of 1,190,123 alleles (0.000084%); highest among the groups gnomAD compares: Non-Finnish European, 0.00011%; no homozygotes.

Submission:

CeGaT Center for Human Genetics Tuebingen
Classification: Likely benign. Last evaluated: 2023-04-01. Review status: criteria provided, single submitter. Criteria: CeGaT Center For Human Genetics Tuebingen Variant Classification Criteria Version 2. Collection method: clinical testing. Allele origin: germline. Affected: yes. Observed: 1 variant allele.
Comment: STAG2: BP4

NM_001042750.2(STAG2):c.3027A>G (p.Lys1009=)

Gene: STAG2 (STAG2 cohesin complex component; plus strand). Cytogenetic location: Xq25.
Variant type: single nucleotide variant.
Coding change: c.3027A>G on transcript NM_001042750.2 (MANE Select); coding-DNA position 3027, A replaced by G.
Protein change: p.Lys1009=; no amino-acid change (lysine 1009 retained).
Molecular consequence: synonymous variant.
Genome position (GRCh38, 1-based): chrX:124,083,523, A>G. VCF-style: chrX-124083523-A-G. GRCh37 (hg19) VCF-style: chrX-123217373-A-G.
Other names: c.3027A>G, p.Lys1009= (NM_001042749.2, NM_001042751.2, NM_001282418.2 and 13 more transcripts).
Identifiers: ClinVar variation 2571378 (VCV002571378.27), dbSNP rs1374370833, ClinGen allele CA518176977.